The following is an entry in ClinVar:

ClinVar aggregate classification (germline): Uncertain significance (1 of 4 stars; one submission).

Conditions:
Inborn genetic diseases. Identifiers: MedGen C0950123, MeSH D030342.

Submission:

Ambry Genetics
Classification: Uncertain significance for Inborn genetic diseases. Last evaluated: 2026-03-16. Review status: criteria provided, single submitter. Criteria: Ambry Variant Classification Scheme 2023. Collection method: clinical testing. Allele origin: germline.
Comment: The p.D741E variant (also known as c.2223T>A), located in coding exon 13 of the FANCM gene, results from a T to A substitution at nucleotide position 2223. The aspartic acid at codon 741 is replaced by glutamic acid, an amino acid with highly similar properties. This amino acid position is conserved. In addition, this alteration is predicted to be tolerated by in silico analysis. Based on the available evidence, the clinical significance of this variant remains unclear.

NM_020937.4(FANCM):c.2223T>A (p.Asp741Glu)

Gene: FANCM (FA complementation group M; plus strand). Cytogenetic location: 14q21.2.
Variant type: single nucleotide variant.
Coding change: c.2223T>A on transcript NM_020937.4 (MANE Select); coding-DNA position 2223, T replaced by A.
Protein change: p.Asp741Glu; replaces aspartic acid 741 with glutamic acid.
Molecular consequence: missense variant.
Genome position (GRCh38, 1-based): chr14:45,173,117, T>A. VCF-style: chr14-45173117-T-A. GRCh37 (hg19) VCF-style: chr14-45642320-T-A.
Other names: c.2145T>A, p.Asp715Glu (NM_001308133.2); short protein forms D715E, D741E.
Identifiers: ClinVar variation 4871030 (VCV004871030.1).